The following is an entry in ClinVar:

NM_003719.5(PDE8B):c.818C>T (p.Thr273Ile)

Gene: PDE8B (phosphodiesterase 8B; plus strand). Cytogenetic location: 5q13.3.
Variant type: single nucleotide variant.
Coding change: c.818C>T on transcript NM_003719.5 (MANE Select); coding-DNA position 818, C replaced by T.
Protein change: p.Thr273Ile; replaces threonine 273 with isoleucine.
Molecular consequence: missense variant.
Genome position (GRCh38, 1-based): chr5:77,344,873, C>T. VCF-style: chr5-77344873-C-T. GRCh37 (hg19) VCF-style: chr5-76640698-C-T.
Other names: c.818C>T, p.Thr273Ile (NM_001029851.4, NM_001029852.4, NM_001029854.4 and 2 more transcripts); c.758C>T, p.Thr253Ile (NM_001029853.4); c.815C>T, p.Thr272Ile (NM_001349748.3, NM_001349751.3, NM_001376065.1); c.881C>T, p.Thr294Ile (NM_001349749.3); c.578C>T, p.Thr193Ile (NM_001349750.3); c.512C>T, p.Thr171Ile (NM_001349752.3, NM_001376071.1); c.446C>T, p.Thr149Ile (NM_001349753.2, NM_001376067.1, NM_001376068.1 and 1 more transcripts); c.515C>T, p.Thr172Ile (NM_001376062.1, NM_001376070.1, NM_001376072.1 and 1 more transcripts); and 2 more; short protein forms T149I, T152I, T171I, T172I, T192I, T193I, T253I, T272I.
Identifiers: ClinVar variation 1691196 (VCV001691196.2), dbSNP rs2150393301, ClinGen allele CA360178646.

ClinVar aggregate classification (germline): Uncertain significance (1 of 4 stars; one submission).

Submission:

GeneDx
Classification: Uncertain significance. Last evaluated: 2021-12-02. Review status: criteria provided, single submitter. Criteria: GeneDx Variant Classification Process June 2021. Collection method: clinical testing. Allele origin: germline. Affected: yes.
Comment: Not observed at significant frequency in large population cohorts (gnomAD); In silico analysis supports that this missense variant has a deleterious effect on protein structure/function; Has not been previously published as pathogenic or benign to our knowledge